The following is an entry in ClinVar:

ClinVar aggregate classification (germline): Uncertain significance (1 of 4 stars; one submission).

Allele frequency attached by ClinVar (database versions not stated): gnomAD exomes below 0.00001.

Submission:

Ambry Genetics
Classification: Uncertain significance. Last evaluated: 2021-12-20. Review status: criteria provided, single submitter. Criteria: Ambry Variant Classification Scheme 2023. Collection method: clinical testing. Allele origin: germline.
Comment: The p.S1377N variant (also known as c.4130G>A), located in coding exon 11 of the MLH3 gene, results from a G to A substitution at nucleotide position 4130. The serine at codon 1377 is replaced by asparagine, an amino acid with highly similar properties. This amino acid position is conserved. In addition, the in silico prediction for this alteration is inconclusive. Since supporting evidence is limited at this time, the clinical significance of this alteration remains unclear.

NM_001040108.2(MLH3):c.4130G>A (p.Ser1377Asn)

Gene: MLH3 (mutL homolog 3; minus strand). Cytogenetic location: 14q24.3.
Variant type: single nucleotide variant.
Coding change: c.4130G>A on transcript NM_001040108.2 (MANE Select); coding-DNA position 4130, G replaced by A.
Protein change: p.Ser1377Asn; replaces serine 1377 with asparagine.
Molecular consequence: missense variant.
Genome position (GRCh38, 1-based): chr14:75,018,941, C>T on the plus strand (G>A on the coding strand, the complement: MLH3 is on the minus strand). VCF-style: chr14-75018941-C-T. GRCh37 (hg19) VCF-style: chr14-75485644-C-T.
Other names: c.4058G>A, p.Ser1353Asn (NM_014381.3); short protein forms S1377N, S1353N.
Identifiers: ClinVar variation 1738087 (VCV001738087.2), dbSNP rs1890083715, ClinGen allele CA390420055.